The following is an entry in ClinVar:

ClinVar aggregate classification (germline): Uncertain significance (1 of 4 stars; one submission).

Allele frequency attached by ClinVar (database versions not stated): ExAC 0.00005; TOPMed 0.00012; gnomAD 0.00011; gnomAD exomes 0.00002; ESP Exome Variant Server 0.00008.

Submission:

Labcorp Genetics (formerly Invitae), Labcorp
Classification: Uncertain significance. Last evaluated: 2025-08-21. Review status: criteria provided, single submitter. Criteria: Invitae Variant Classification Sherloc (09022015). Collection method: clinical testing. Allele origin: germline.
Comment: This sequence change replaces alanine, which is neutral and non-polar, with threonine, which is neutral and polar, at codon 80 of the ANXA11 protein (p.Ala80Thr). This variant is present in population databases (rs149490039, gnomAD 0.04%). This variant has not been reported in the literature in individuals affected with ANXA11-related conditions. ClinVar contains an entry for this variant (Variation ID: 2991721). Experimental studies and prediction algorithms are not available or were not evaluated, and the functional significance of this variant is currently unknown. In summary, the available evidence is currently insufficient to determine the role of this variant in disease. Therefore, it has been classified as a Variant of Uncertain Significance.

NM_145868.2(ANXA11):c.238G>A (p.Ala80Thr)

Genes: ANXA11 (annexin A11; minus strand), LOC130004184 (ATAC-STARR-seq lymphoblastoid silent region 2543; plus strand). Cytogenetic location: 10q22.3.
Variant type: single nucleotide variant.
Coding change: c.238G>A on transcript NM_145868.2 (MANE Select); coding-DNA position 238, G replaced by A.
Protein change: p.Ala80Thr; replaces alanine 80 with threonine.
Molecular consequence: missense variant.
Genome position (GRCh38, 1-based): chr10:80,169,292, C>T on the plus strand (G>A on the coding strand, the complement: ANXA11 is on the minus strand). VCF-style: chr10-80169292-C-T. GRCh37 (hg19) VCF-style: chr10-81929048-C-T.
Other names: c.238G>A, p.Ala80Thr (NM_001278407.2, NM_001278408.2, NM_145869.2 and 1 more transcripts); c.139G>A, p.Ala47Thr (NM_001278409.2); short protein forms A80T, A47T.
Identifiers: ClinVar variation 2991721 (VCV002991721.3), dbSNP rs149490039, ClinGen allele CA5576335.